The following is an entry in ClinVar:

ClinVar aggregate classification (germline): Likely pathogenic. Review status: criteria provided, multiple submitters, no conflicts (2 of 4 stars). 2 submissions from 2 submitters: Likely pathogenic (2). Last evaluated 2021-05-16.

Conditions:
Primary ciliary dyskinesia. Also called: Ciliary dyskinesia. Identifiers: Orphanet 244, MedGen C0008780, MONDO:0016575, HP:0012265.

Allele frequency attached by ClinVar (database versions not stated): gnomAD exomes below 0.00001 and 0.00001; gnomAD 0.00001; ExAC 0.00002; TOPMed 0.00002; ESP Exome Variant Server 0.00008.
gnomAD v4.1: 7 of 1,612,954 alleles (0.00043%); highest among the groups gnomAD compares: South Asian, 0.0044%; no homozygotes.

Submissions (2):

Labcorp Genetics (formerly Invitae), Labcorp
Classification: Likely pathogenic for Primary ciliary dyskinesia. Last evaluated: 2021-05-16. Review status: criteria provided, single submitter. Criteria: Invitae Variant Classification Sherloc (09022015). Collection method: clinical testing. Allele origin: germline.
Comment: Algorithms developed to predict the effect of sequence changes on RNA splicing suggest that this variant may disrupt the consensus splice site, but this prediction has not been confirmed by published transcriptional studies. In summary, the currently available evidence indicates that the variant is pathogenic, but additional data are needed to prove that conclusively. Therefore, this variant has been classified as Likely Pathogenic. This variant has not been reported in the literature in individuals with DNAAF5-related conditions. This variant is present in population databases (rs371542660, ExAC 0.01%). This sequence change affects an acceptor splice site in intron 7 of the DNAAF5 gene. It is expected to disrupt RNA splicing. Variants that disrupt the donor or acceptor splice site typically lead to a loss of protein function (PMID: 16199547), and loss-of-function variants in DNAAF5 are known to be pathogenic (PMID: 24307375, 25232951).

Ambry Genetics
Classification: Likely pathogenic for Primary ciliary dyskinesia. Last evaluated: 2017-09-01. Review status: criteria provided, single submitter. Criteria: Ambry Variant Classification Scheme 2023. Collection method: clinical testing. Allele origin: germline.
Comment: The c.1615-2A>G intronic variant results from an A to G substitution two nucleotides upstream from coding exon 8 in the DNAAF5 gene. This nucleotide position is highly conserved in available vertebrate species. Using the BDGP and ESEfinder splice site prediction tools, this alteration is predicted to abolish the native splice acceptor site; however, direct evidence is unavailable. Alterations that disrupt the canonical splice site are expected to cause aberrant splicing, resulting in an abnormal protein or a transcript that is subject to nonsense-mediated mRNA decay. As such, this alteration is classified as likely pathogenic.

Literature cited by the submitters: PubMed 16199547 (cited by Labcorp Genetics (formerly Invitae), Labcorp); PubMed 24307375 (cited by Labcorp Genetics (formerly Invitae), Labcorp); PubMed 25232951 (cited by Labcorp Genetics (formerly Invitae), Labcorp).

NM_017802.4(DNAAF5):c.1615-2A>G

Gene: DNAAF5 (dynein axonemal assembly factor 5; plus strand). Cytogenetic location: 7p22.3.
Variant type: single nucleotide variant.
Coding change: c.1615-2A>G on transcript NM_017802.4 (MANE Select); the canonical splice acceptor site of the intron before coding-DNA position 1615, A replaced by G.
Molecular consequence: splice acceptor variant.
Genome position (GRCh38, 1-based): chr7:763,804, A>G. VCF-style: chr7-763804-A-G. GRCh37 (hg19) VCF-style: chr7-803441-A-G.
Identifiers: ClinVar variation 1516912 (VCV001516912.10), dbSNP rs371542660, ClinGen allele CA4110804.